The following is an entry in ClinVar:

ClinVar aggregate classification (germline): Uncertain significance (1 of 4 stars; one submission).

Conditions:
Hereditary cancer-predisposing syndrome. Also called: Neoplastic Syndromes, Hereditary; Tumor predisposition; Hereditary Cancer Syndrome; Hereditary neoplastic syndrome. Identifiers: Orphanet 140162, MedGen C0027672, MeSH D009386, MONDO:0015356.

Submission:

Ambry Genetics
Classification: Uncertain significance for Hereditary cancer-predisposing syndrome. Last evaluated: 2024-10-18. Review status: criteria provided, single submitter. Criteria: Ambry Variant Classification Scheme 2023. Collection method: clinical testing. Allele origin: germline.
Comment: The p.I80V variant (also known as c.238A>G), located in coding exon 2 of the BRCA2 gene, results from an A to G substitution at nucleotide position 238. The isoleucine at codon 80 is replaced by valine, an amino acid with highly similar properties. This amino acid position is well conserved in available vertebrate species. In addition, this alteration is predicted to be tolerated by in silico analysis. Since supporting evidence is limited at this time, the clinical significance of this alteration remains unclear.

NM_000059.4(BRCA2):c.238A>G (p.Ile80Val)

Gene: BRCA2 (BRCA2 DNA repair associated; plus strand). Cytogenetic location: 13q13.1.
Variant type: single nucleotide variant.
Coding change: c.238A>G on transcript NM_000059.4 (MANE Select); coding-DNA position 238, A replaced by G.
Protein change: p.Ile80Val; replaces isoleucine 80 with valine.
Molecular consequence: missense variant.
Genome position (GRCh38, 1-based): chr13:32,319,247, A>G. VCF-style: chr13-32319247-A-G. GRCh37 (hg19) VCF-style: chr13-32893384-A-G.
Other names: short protein forms I80V.
Identifiers: ClinVar variation 233763 (VCV000233763.6), dbSNP rs876660626, ClinGen allele CA10579449.